The following is an entry in ClinVar:

NM_016138.5(COQ7):c.151C>T (p.Arg51Ter)

Gene: COQ7 (coenzyme Q7, hydroxylase; plus strand). Cytogenetic location: 16p12.3.
Variant type: single nucleotide variant.
Coding change: c.151C>T on transcript NM_016138.5 (MANE Select); coding-DNA position 151, C replaced by T.
Protein change: p.Arg51Ter; replaces arginine 51 with a stop codon.
Molecular consequence: nonsense. On other transcripts: non-coding transcript variant (3).
Genome position (GRCh38, 1-based): chr16:19,072,005, C>T. VCF-style: chr16-19072005-C-T. GRCh37 (hg19) VCF-style: chr16-19083327-C-T.
Other names: c.37C>T, p.Arg13Ter (NM_001190983.2, NM_001370492.1, NM_001370493.1 and 2 more transcripts); c.109C>T, p.Arg37Ter (NM_001370489.1, NM_001370491.1); c.151C>T, p.Arg51Ter (NM_001370490.1); short protein forms R37*, R13*, R51*.
Identifiers: ClinVar variation 1493570 (VCV001493570.4), dbSNP rs150938236, ClinGen allele CA7932892.

ClinVar aggregate classification (germline): Uncertain significance. Review status: criteria provided, multiple submitters, no conflicts (2 of 4 stars). 2 submissions from 2 submitters: Uncertain significance (2). Last evaluated 2023-12-19.

Allele frequency attached by ClinVar (database versions not stated): gnomAD exomes 0.00001; ExAC 0.00002; gnomAD 0.00002; TOPMed 0.00003; ESP Exome Variant Server 0.00015.
gnomAD v4.1: 18 of 1,614,100 alleles (0.0011%); highest among the groups gnomAD compares: Admixed American, 0.0017%; no homozygotes.

Submissions (2):

Blueprint Genetics
Classification: Uncertain significance. Last evaluated: 2023-12-19. Review status: criteria provided, single submitter. Criteria: ACMG Guidelines, 2015. Collection method: clinical testing. Allele origin: germline.

Labcorp Genetics (formerly Invitae), Labcorp
Classification: Uncertain significance. Last evaluated: 2022-07-03. Review status: criteria provided, single submitter. Criteria: Invitae Variant Classification Sherloc (09022015). Collection method: clinical testing. Allele origin: germline.
Comment: This sequence change creates a premature translational stop signal (p.Arg51*) in the COQ7 gene. It is expected to result in an absent or disrupted protein product. However, the current clinical and genetic evidence is not sufficient to establish whether loss-of-function variants in COQ7 cause disease. This variant is present in population databases (rs150938236, gnomAD 0.003%). This variant has not been reported in the literature in individuals affected with COQ7-related conditions. ClinVar contains an entry for this variant (Variation ID: 1493570). In summary, the available evidence is currently insufficient to determine the role of this variant in disease. Therefore, it has been classified as a Variant of Uncertain Significance.